The following is an entry in ClinVar:

ClinVar aggregate classification (germline): Uncertain significance (1 of 4 stars; one submission).

Submission:

Labcorp Genetics (formerly Invitae), Labcorp
Classification: Uncertain significance. Last evaluated: 2021-06-25. Review status: criteria provided, single submitter. Criteria: Invitae Variant Classification Sherloc (09022015). Collection method: clinical testing. Allele origin: germline.
Comment: In summary, the available evidence is currently insufficient to determine the role of this variant in disease. Therefore, it has been classified as a Variant of Uncertain Significance. Advanced modeling of protein sequence and biophysical properties (such as structural, functional, and spatial information, amino acid conservation, physicochemical variation, residue mobility, and thermodynamic stability) performed at Invitae indicates that this missense variant is not expected to disrupt SI protein function. This variant has not been reported in the literature in individuals with SI-related conditions. This variant is not present in population databases (ExAC no frequency). This sequence change replaces glutamine with proline at codon 1672 of the SI protein (p.Gln1672Pro). The glutamine residue is weakly conserved and there is a moderate physicochemical difference between glutamine and proline.

NM_001041.4(SI):c.5015A>C (p.Gln1672Pro)

Gene: SI (sucrase-isomaltase; minus strand). Cytogenetic location: 3q26.1.
Variant type: single nucleotide variant.
Coding change: c.5015A>C on transcript NM_001041.4 (MANE Select); coding-DNA position 5015, A replaced by C.
Protein change: p.Gln1672Pro; replaces glutamine 1672 with proline.
Molecular consequence: missense variant.
Genome position (GRCh38, 1-based): chr3:164,991,446, T>G on the plus strand (A>C on the coding strand, the complement: SI is on the minus strand). VCF-style: chr3-164991446-T-G. GRCh37 (hg19) VCF-style: chr3-164709234-T-G.
Other names: short protein forms Q1672P.
Identifiers: ClinVar variation 1435273 (VCV001435273.8), dbSNP rs2108125883, ClinGen allele CA355028303.
Genomic context (GRCh38, chr3:164,991,446, plus strand): 5'-GGTAGGATGTGACCACCACGGACATGTAGGTTTATTGTGTCATAAGAAGCATTAAATGTT[T>G]GAAATTGTCCTCTGACGCCAATATCTTTGCCCTGGAAATGAAAGGGATGGAAAGAACAGG-3'
Protein context (NP_001032.2, residues 1662-1682): GKDIGVRGQF[Gln1672Pro]TFNASYDTIN